The following is an entry in ClinVar:

NM_000064.4(C3):c.3489+69G>A

Gene: C3 (complement C3; minus strand). Cytogenetic location: 19p13.3.
Variant type: single nucleotide variant.
Coding change: c.3489+69G>A on transcript NM_000064.4 (MANE Select); 69 bases into the intron after coding-DNA position 3489, G replaced by A.
Molecular consequence: intron variant.
Genome position (GRCh38, 1-based): chr19:6,690,560, C>T on the plus strand (G>A on the coding strand, the complement: C3 is on the minus strand). VCF-style: chr19-6690560-C-T. GRCh37 (hg19) VCF-style: chr19-6690571-C-T.
Identifiers: ClinVar variation 1230314 (VCV001230314.5), dbSNP rs11569511, ClinGen allele CA304780732.
Genomic context (GRCh38, chr19:6,690,560, plus strand): 5'-GACTGCAGTGATGTCTGTTATTGCACTGGGAGAGCTGCAAATTCCCTGAAGGCAACCTCT[C>T]ACTCTCCAAGGTGGCTGTGCTCTGCATCGGGTAAGGTAGGGTAGGGTGGGAAGATGGAGG-3'

ClinVar aggregate classification (germline): Benign. Review status: criteria provided, multiple submitters, no conflicts (2 of 4 stars). 3 submissions from 3 submitters: Benign (3). Last evaluated 2025-09-30.

Conditions:
C3 glomerulonephritis. Also called: C3 GLOMERULOPATHY 3; Nephropathy due to CFHR5 Deficiency. Identifiers: Orphanet 329931, MedGen C4055342, MONDO:0013892, OMIM 614809.
Atypical hemolytic-uremic syndrome. Identifiers: Orphanet 2134, MedGen C2931788, MONDO:0016244.
Complement component 3 deficiency. Identifiers: Orphanet 280133, MedGen C3151071, MONDO:0013417, OMIM 613779.

Allele frequency attached by ClinVar (database versions not stated): 1000 Genomes Project 30x 0.07792; 1000 Genomes Project 0.08007; TOPMed 0.09914; gnomAD 0.10503 and 0.10630; gnomAD exomes 0.12223.
gnomAD v4.1: 149,230 of 1,242,534 alleles (12%); highest among the groups gnomAD compares: Non-Finnish European, 13%; 9,746 homozygotes.

Submissions (3):

Genomenon, Inc
Classification: Benign for Complement component 3 deficiency; C3 glomerulonephritis; Atypical hemolytic-uremic syndrome. Last evaluated: 2025-09-30. Review status: criteria provided, single submitter. Criteria: Genomenon Sequence Variant Interpretation Standards. Collection method: curation. Allele origin: germline. Affected: no.
Comment: C3 c.3489+69G>A is an intronic variant located in intron 27. This variant is present at high allele frequency in population databases. In conclusion, we classify C3 c.3489+69G>A as a benign variant.

GeneDx
Classification: Benign. Last evaluated: 2021-06-18. Review status: criteria provided, single submitter. Criteria: GeneDx Variant Classification Process June 2021. Collection method: clinical testing. Allele origin: germline. Affected: yes.

Breakthrough Genomics
Classification: Benign. Review status: criteria provided, single submitter. Criteria: ACMG Guidelines, 2015. Collection method: not provided. Allele origin: germline. Inheritance: Autosomal recessive inheritance. Affected: yes.